The following is an entry in ClinVar:

NM_001399.5(EDA):c.396+53494_396+53498dup

Gene: EDA (ectodysplasin A; plus strand). Cytogenetic location: Xq13.1.
Variant type: Duplication.
Coding change: c.396+53494_396+53498dup on transcript NM_001399.5 (MANE Select); bases 53494 to 53498 of the intron after coding-DNA position 396, 5 bases duplicated (TTTTT; older notation c.396+53494_396+53498dupTTTTT).
Molecular consequence: intron variant.
Genome position (GRCh38, 1-based): chrX:69,670,198-69,670,202, TTTTT duplicated; duplicating any 5 consecutive bases within chrX:69,670,184-69,670,202 gives the same sequence; the c. name uses the placement nearest the transcript's 3' end. VCF-style (leftmost placement, unchanged base first): chrX-69670183-G-GTTTTT. GRCh37 (hg19) VCF-style: chrX-68890027-G-GTTTTT.
Other names: c.396+53494_396+53498dup (NM_001005609.2, NM_001005612.3, NM_001005610.4); c.397-12_397-8dup (NM_001005613.4).
Identifiers: ClinVar variation 3055950 (VCV003055950.2), dbSNP rs544601085, ClinGen allele CA10438901.

ClinVar aggregate classification (germline): Likely benign (0 of 4 stars; one submission).

Conditions:
EDA-related disorder. Also called: EDA-related disorders; EDA-related condition.

Submission:

PreventionGenetics, part of Exact Sciences
Classification: Likely benign for EDA-related condition. Last evaluated: 2019-08-30. Review status: no assertion criteria provided. Collection method: clinical testing. Allele origin: germline.
Comment: This variant is classified as likely benign based on ACMG/AMP sequence variant interpretation guidelines (Richards et al. 2015 PMID: 25741868, with internal and published modifications).